The following is an entry in ClinVar:

ClinVar aggregate classification (germline): Likely benign (1 of 4 stars; one submission).

Submission:

CeGaT Center for Human Genetics Tuebingen
Classification: Likely benign. Last evaluated: 2025-01-01. Review status: criteria provided, single submitter. Criteria: CeGaT Center For Human Genetics Tuebingen Variant Classification Criteria Version 2. Collection method: clinical testing. Allele origin: germline. Affected: yes. Observed: 1 variant allele.
Comment: AHNAK2: BP4

NM_138420.4(AHNAK2):c.5403C>A (p.Asp1801Glu)

Gene: AHNAK2 (AHNAK nucleoprotein 2; minus strand). Cytogenetic location: 14q32.33.
Variant type: single nucleotide variant.
Coding change: c.5403C>A on transcript NM_138420.4 (MANE Select); coding-DNA position 5403, C replaced by A.
Protein change: p.Asp1801Glu; replaces aspartic acid 1801 with glutamic acid.
Molecular consequence: missense variant.
Genome position (GRCh38, 1-based): chr14:104,950,048, G>T on the plus strand (C>A on the coding strand, the complement: AHNAK2 is on the minus strand). VCF-style: chr14-104950048-G-T. GRCh37 (hg19) VCF-style: chr14-105416385-G-T.
Other names: c.5103C>A, p.Asp1701Glu (NM_001350929.2); short protein forms D1701E, D1801E.
Identifiers: ClinVar variation 3770912 (VCV003770912.13).